The following is an entry in ClinVar:

NM_021067.5(GINS1):c.197A>C (p.His66Pro)

Gene: GINS1 (GINS complex subunit 1; plus strand). Cytogenetic location: 20p11.21.
Variant type: single nucleotide variant.
Coding change: c.197A>C on transcript NM_021067.5 (MANE Select); coding-DNA position 197, A replaced by C.
Protein change: p.His66Pro; replaces histidine 66 with proline.
Molecular consequence: missense variant. On other transcripts: non-coding transcript variant (1).
Genome position (GRCh38, 1-based): chr20:25,417,160, A>C. VCF-style: chr20-25417160-A-C. GRCh37 (hg19) VCF-style: chr20-25397796-A-C.
Other names: c.197A>C, p.His66Pro (NM_001410830.1); short protein forms H66P.
Identifiers: ClinVar variation 2008027 (VCV002008027.4), dbSNP rs1384006195, ClinGen allele CA408447395.
Genomic context (GRCh38, chr20:25,417,160, plus strand): 5'-TCAGGAATGAAGCAAAGTCAGGTGGACGAAGTGATTTGATACCAACTATCAAATTTCGAC[A>C]CTGTTCTCTGTTAAGAAATCGACGCTGCACTGTAGCATACCTGTAAGCTTCTCAGTTTTT-3'
Protein context (NP_066545.3, residues 56-76): SDLIPTIKFR[His66Pro]CSLLRNRRCT

ClinVar aggregate classification (germline): Uncertain significance (1 of 4 stars; one submission).

Allele frequency attached by ClinVar (database versions not stated): gnomAD exomes below 0.00001; TOPMed below 0.00001.
gnomAD v4.1: 5 of 1,601,558 alleles (0.00031%); highest among the groups gnomAD compares: Non-Finnish European, 0.00043%; no homozygotes.

Submission:

Labcorp Genetics (formerly Invitae), Labcorp
Classification: Uncertain significance. Last evaluated: 2022-04-07. Review status: criteria provided, single submitter. Criteria: Invitae Variant Classification Sherloc (09022015). Collection method: clinical testing. Allele origin: germline.
Comment: This sequence change replaces histidine, which is basic and polar, with proline, which is neutral and non-polar, at codon 66 of the GINS1 protein (p.His66Pro). The frequency data for this variant in the population databases is considered unreliable, as metrics indicate poor data quality at this position in the gnomAD database. This variant has not been reported in the literature in individuals affected with GINS1-related conditions. Algorithms developed to predict the effect of missense changes on protein structure and function are either unavailable or do not agree on the potential impact of this missense change (SIFT: "Not Available"; PolyPhen-2: "Probably Damaging"; Align-GVGD: "Not Available"). In summary, the available evidence is currently insufficient to determine the role of this variant in disease. Therefore, it has been classified as a Variant of Uncertain Significance.